The following is an entry in ClinVar:

ClinVar aggregate classification (germline): Uncertain significance (1 of 4 stars; one submission).

Allele frequency attached by ClinVar (database versions not stated): ExAC 0.00001; gnomAD 0.00001; gnomAD exomes 0.00002; TOPMed 0.00002; ESP Exome Variant Server 0.00008.
gnomAD v4.1: 27 of 1,614,044 alleles (0.0017%); highest among the groups gnomAD compares: South Asian, 0.011%; no homozygotes.

Submission:

Labcorp Genetics (formerly Invitae), Labcorp
Classification: Uncertain significance. Last evaluated: 2023-04-26. Review status: criteria provided, single submitter. Criteria: Invitae Variant Classification Sherloc (09022015). Collection method: clinical testing. Allele origin: germline.
Comment: In summary, the available evidence is currently insufficient to determine the role of this variant in disease. Therefore, it has been classified as a Variant of Uncertain Significance. Advanced modeling of protein sequence and biophysical properties (such as structural, functional, and spatial information, amino acid conservation, physicochemical variation, residue mobility, and thermodynamic stability) performed at Invitae indicates that this missense variant is not expected to disrupt CETP protein function. This variant has not been reported in the literature in individuals affected with CETP-related conditions. This variant is present in population databases (rs144949752, gnomAD 0.003%). This sequence change replaces arginine, which is basic and polar, with histidine, which is basic and polar, at codon 369 of the CETP protein (p.Arg369His).

NM_000078.3(CETP):c.1106G>A (p.Arg369His)

Gene: CETP (cholesteryl ester transfer protein; plus strand). Cytogenetic location: 16q13.
Variant type: single nucleotide variant.
Coding change: c.1106G>A on transcript NM_000078.3 (MANE Select); coding-DNA position 1106, G replaced by A.
Protein change: p.Arg369His; replaces arginine 369 with histidine.
Molecular consequence: missense variant.
Genome position (GRCh38, 1-based): chr16:56,978,215, G>A. VCF-style: chr16-56978215-G-A. GRCh37 (hg19) VCF-style: chr16-57012127-G-A.
Other names: c.926G>A, p.Arg309His (NM_001286085.2); short protein forms R369H, R309H.
Identifiers: ClinVar variation 2980442 (VCV002980442.3), dbSNP rs144949752, ClinGen allele CA8071220.